The following is an entry in ClinVar:

NM_001145809.2(MYH14):c.2840G>A (p.Arg947His)

Gene: MYH14 (myosin heavy chain 14; plus strand). Cytogenetic location: 19q13.33.
Variant type: single nucleotide variant.
Coding change: c.2840G>A on transcript NM_001145809.2 (MANE Select); coding-DNA position 2840, G replaced by A.
Protein change: p.Arg947His; replaces arginine 947 with histidine.
Molecular consequence: missense variant.
Genome position (GRCh38, 1-based): chr19:50,268,174, G>A. VCF-style: chr19-50268174-G-A. GRCh37 (hg19) VCF-style: chr19-50771431-G-A.
Other names: c.2741G>A, p.Arg914His (NM_001077186.2); c.2717G>A, p.Arg906His (NM_024729.4); short protein forms R947H, R914H, R906H.
Identifiers: ClinVar variation 164181 (VCV000164181.49), dbSNP rs374883445, ClinGen allele CA176889.
Genomic context (GRCh38, chr19:50,268,174, plus strand): 5'-CCTGGGAGCACTGCCTGCTGACCACTAACCTCCCACACACTCCCCAGCTGGAAGAGGAGC[G>A]CGCCCGCCTGGCAGAGCAATTGCGAGCAGAGGCAGAACTGTGTGCAGAGGCCGAGGAGAC-3'
Protein context (NP_001139281.1, residues 937-957): QGRVAQLEEE[Arg947His]ARLAEQLRAE

ClinVar aggregate classification (germline): Conflicting classifications of pathogenicity. Review status: criteria provided, conflicting classifications (1 of 4 stars). 4 submissions from 4 submitters: Uncertain significance (3); Likely benign (1). Last evaluated 2024-11-10.

Conditions:
MYH14-related disorder. Also called: MYH14-related condition.

Allele frequency attached by ClinVar (database versions not stated): gnomAD exomes 0.00003 and 0.00013; ExAC 0.00010; gnomAD 0.00017 and 0.00018; TOPMed 0.00019; ESP Exome Variant Server 0.00024.
gnomAD v4.1: 72 of 1,546,824 alleles (0.0047%); highest among the groups gnomAD compares: African/African-American, 0.051%; no homozygotes.

Submissions (4):

Labcorp Genetics (formerly Invitae), Labcorp
Classification: Uncertain significance. Last evaluated: 2024-11-10. Review status: criteria provided, single submitter. Criteria: Invitae Variant Classification Sherloc (09022015). Collection method: clinical testing. Allele origin: germline.
Comment: This sequence change replaces arginine, which is basic and polar, with histidine, which is basic and polar, at codon 906 of the MYH14 protein (p.Arg906His). This variant is present in population databases (rs374883445, gnomAD 0.08%), and has an allele count higher than expected for a pathogenic variant. This variant has not been reported in the literature in individuals affected with MYH14-related conditions. ClinVar contains an entry for this variant (Variation ID: 164181). Invitae Evidence Modeling of protein sequence and biophysical properties (such as structural, functional, and spatial information, amino acid conservation, physicochemical variation, residue mobility, and thermodynamic stability) has been performed for this missense variant. However, the output from this modeling did not meet the statistical confidence thresholds required to predict the impact of this variant on MYH14 protein function. In summary, the available evidence is currently insufficient to determine the role of this variant in disease. Therefore, it has been classified as a Variant of Uncertain Significance.

PreventionGenetics, part of Exact Sciences
Classification: Likely benign for MYH14-related condition. Last evaluated: 2024-10-30. Review status: criteria provided, single submitter. Criteria: ACMG Guidelines, 2015. Collection method: clinical testing. Allele origin: germline.
Comment: This variant is classified as likely benign based on ACMG/AMP sequence variant interpretation guidelines (Richards et al. 2015 PMID: 25741868, with internal and published modifications).

CeGaT Center for Human Genetics Tuebingen
Classification: Uncertain significance. Last evaluated: 2019-09-01. Review status: criteria provided, single submitter. Criteria: CeGaT Center For Human Genetics Tuebingen Variant Classification Criteria Version 2. Collection method: clinical testing. Allele origin: germline. Affected: yes. Observed: 1 variant allele.

Laboratory for Molecular Medicine, Mass General Brigham Personalized Medicine
Classification: Uncertain significance. Last evaluated: 2014-05-20. Review status: criteria provided, single submitter. Criteria: LMM Criteria. Collection method: clinical testing. Allele origin: germline. Observed: 1 variant allele.
Comment: The Arg947His in MYH14 has not been reported in individuals with hearing loss, b ut has been identified in 0.07% (3/4092) of African American chromosomes by the NHLBI Exome Sequencing Project. The arginine (Arg ) at position 947 is conserved in mammals, but not in evolutionarily distant spe cies. This raises the possibility that a change at this position may be tolerate d. Other computational prediction tools suggest that the Arg947His variant may i mpact the protein, though this information is not predictive enough to determine pathogenicity. In summary, the clinical significance of the Arg947His variant i s uncertain.